The following is an entry in ClinVar:

NM_000384.3(APOB):c.10042A>G (p.Ile3348Val)

Gene: APOB (apolipoprotein B; minus strand). Cytogenetic location: 2p24.1.
Variant type: single nucleotide variant.
Coding change: c.10042A>G on transcript NM_000384.3 (MANE Select); coding-DNA position 10042, A replaced by G.
Protein change: p.Ile3348Val; replaces isoleucine 3348 with valine.
Molecular consequence: missense variant.
Genome position (GRCh38, 1-based): chr2:21,006,826, T>C on the plus strand (A>G on the coding strand, the complement: APOB is on the minus strand). VCF-style: chr2-21006826-T-C. GRCh37 (hg19) VCF-style: chr2-21229698-T-C.
Other names: short protein forms I3348V.
Identifiers: ClinVar variation 4788213 (VCV004788213.1).
Genomic context (GRCh38, chr2:21,006,826, plus strand): 5'-AAAGGAGATGAGCAACAATATCTGACTGGTTAAAAAGTTCAGCATTGGTATTCAGTGTGA[T>C]GACACTTGATTTAAAGGAGAAATCATAGGTAATATTGCCCATGGCAGGAATAAAAATATG-3'
Protein context (NP_000375.3, residues 3338-3358): TYDFSFKSSV[Ile3348Val]TLNTNAELFN

ClinVar aggregate classification (germline): Uncertain significance (1 of 4 stars; one submission).

Conditions:
Familial hypobetalipoproteinemia 1. Also called: APOB-Related Familial Hypobetalipoproteinemia; Hypobetalipoproteinemia, normotriglyceridemic; Acanthocytosis with hypobetalipoproteinemia. Identifiers: MedGen C4551990, MONDO:0014252, OMIM 615558.
Hypercholesterolemia, autosomal dominant, type B (FHCL2). Also called: APOB-Related Familial Hypercholesterolemia, Autosomal Dominant; Familial hypercholesterolemia 2; Familial Hypercholesterolemia Type B; APOLIPOPROTEIN B-100, FAMILIAL DEFECTIVE; APOLIPOPROTEIN B-100, FAMILIAL LIGAND-DEFECTIVE; HYPERCHOLESTEROLEMIA, FAMILIAL, DUE TO LIGAND-DEFECTIVE APOLIPOPROTEIN B. Identifiers: MedGen C1704417, MONDO:0007751, OMIM 144010.

gnomAD v4.1: 6 of 1,614,122 alleles (0.00037%); highest among the groups gnomAD compares: Non-Finnish European, 0.00017%; no homozygotes.

Submission:

Labcorp Genetics (formerly Invitae), Labcorp
Classification: Uncertain significance for Familial hypobetalipoproteinemia 1; Hypercholesterolemia, autosomal dominant, type B. Last evaluated: 2025-07-02. Review status: criteria provided, single submitter. Criteria: Invitae Variant Classification Sherloc (09022015). Collection method: clinical testing. Allele origin: germline.
Comment: This sequence change replaces isoleucine, which is neutral and non-polar, with valine, which is neutral and non-polar, at codon 3348 of the APOB protein (p.Ile3348Val). This variant is present in population databases (rs757662434, gnomAD 0.002%). This variant has not been reported in the literature in individuals affected with APOB-related conditions. Invitae Evidence Modeling of protein sequence and biophysical properties (such as structural, functional, and spatial information, amino acid conservation, physicochemical variation, residue mobility, and thermodynamic stability) indicates that this missense variant is not expected to disrupt APOB protein function with a negative predictive value of 95%. In summary, the available evidence is currently insufficient to determine the role of this variant in disease. Therefore, it has been classified as a Variant of Uncertain Significance.